The following is an entry in ClinVar:

NM_174936.4(PCSK9):c.645C>T (p.Arg215=)

Gene: PCSK9 (proprotein convertase subtilisin/kexin type 9; plus strand). Cytogenetic location: 1p32.3.
Variant type: single nucleotide variant.
Coding change: c.645C>T on transcript NM_174936.4 (MANE Select); coding-DNA position 645, C replaced by T.
Protein change: p.Arg215=; no amino-acid change (arginine 215 retained).
Molecular consequence: synonymous variant. On other transcripts: non-coding transcript variant (8).
Genome position (GRCh38, 1-based): chr1:55,052,399, C>T. VCF-style: chr1-55052399-C-T. GRCh37 (hg19) VCF-style: chr1-55518072-C-T.
Other names: c.270C>T, p.Arg90= (NM_001407246.1); c.645C>T, p.Arg215= (NM_001407247.1, NM_001407241.1, NM_001407242.1 and 1 more transcripts); c.768C>T, p.Arg256= (NM_001407240.1); c.588C>T, p.Arg196= (NM_001407243.1); c.453C>T, p.Arg151= (NM_001407245.1).
Identifiers: ClinVar variation 1172038 (VCV001172038.7), dbSNP rs754648024, ClinGen allele CA043565.

ClinVar aggregate classification (germline): Likely benign. Review status: criteria provided, multiple submitters, no conflicts (2 of 4 stars). 3 submissions from 3 submitters: Likely benign (3). Last evaluated 2023-02-22.

Conditions:
Familial hypercholesterolemia. Also called: Familial hypercholesterolaemia; Familial hypercholesterolemias. Identifiers: MedGen C0020445, MONDO:0005439.
Hypercholesterolemia, autosomal dominant, 3 (FHCL3). Also called: Familial hypercholesterolemia 3; Familial Hypercholesterolemia, Autosomal Dominant, 3; PCSK9-Related Familial Hypercholesterolemia, Autosomal Dominant. Identifiers: MedGen C1863551, MONDO:0011369, OMIM 603776.

Allele frequency attached by ClinVar (database versions not stated): TOPMed below 0.00001; gnomAD 0.00001; gnomAD exomes 0.00001 and 0.00002; ExAC 0.00002.
gnomAD v4.1: 11 of 1,613,736 alleles (0.00068%); highest among the groups gnomAD compares: Non-Finnish European, 0.00085%; no homozygotes.

Submissions (3):

All of Us Research Program, National Institutes of Health
Classification: Likely benign for Hypercholesterolemia, autosomal dominant, 3. Last evaluated: 2023-02-22. Review status: criteria provided, single submitter. Criteria: ACMG Guidelines, 2015. Collection method: clinical testing. Allele origin: germline. Inheritance: Autosomal dominant inheritance. Observed: 1 variant allele, 1 heterozygote.
Comment: This study involves interpretation of variants in research participants for the purpose of population health screening. Participant phenotype was not available at the time of variant classification. Additional details can be found in publication PMID: 35346344, PMCID: PMC8962531

Labcorp Genetics (formerly Invitae), Labcorp
Classification: Likely benign for Hypercholesterolemia, autosomal dominant, 3. Last evaluated: 2023-01-27. Review status: criteria provided, single submitter. Criteria: Invitae Variant Classification Sherloc (09022015). Collection method: clinical testing. Allele origin: germline.

Color Diagnostics, LLC DBA Color Health
Classification: Likely benign for Familial hypercholesterolemia. Last evaluated: 2020-08-24. Review status: criteria provided, single submitter. Criteria: ACMG Guidelines, 2015. Collection method: clinical testing. Allele origin: germline.